The following is an entry in ClinVar:

ClinVar aggregate classification (germline): Pathogenic (1 of 4 stars; one submission).

Conditions:
Inborn genetic diseases. Identifiers: MedGen C0950123, MeSH D030342.

Submission:

Ambry Genetics
Classification: Pathogenic for Inborn genetic diseases. Last evaluated: 2020-03-19. Review status: criteria provided, single submitter. Criteria: Ambry Variant Classification Scheme 2023. Collection method: clinical testing. Allele origin: germline.
Comment: The alteration results in a premature stop codon:_x000D_ _x000D_ The c.1141G>T (p.E381*) alteration, located in exon 14 (coding exon 13) of the OPHN1 gene, results from a G to T substitution at nucleotide position 1141. This changes the amino acid from a glutamic acid (E) to a stop codon at amino acid position 381. This alteration is expected to result in loss of function by premature protein truncation or nonsense-mediated mRNA decay. The alteration is not observed in population databases: _x000D_ _x000D_ Based on data from the Genome Aggregation Database (gnomAD), the OPHN1 c.1141G>T alteration was not observed, with coverage at this position. Based on the available evidence, this alteration is classified as pathogenic.

NM_002547.3(OPHN1):c.1141G>T (p.Glu381Ter)

Gene: OPHN1 (oligophrenin 1; minus strand). Cytogenetic location: Xq12.
Variant type: single nucleotide variant.
Coding change: c.1141G>T on transcript NM_002547.3 (MANE Select); coding-DNA position 1141, G replaced by T.
Protein change: p.Glu381Ter; replaces glutamic acid 381 with a stop codon.
Molecular consequence: nonsense.
Genome position (GRCh38, 1-based): chrX:68,193,950, C>A on the plus strand (G>T on the coding strand, the complement: OPHN1 is on the minus strand). VCF-style: chrX-68193950-C-A. GRCh37 (hg19) VCF-style: chrX-67413792-C-A.
Other names: short protein forms E381*.
Identifiers: ClinVar variation 985609 (VCV000985609.4), dbSNP rs2077499942, ClinGen allele CA413432961.
Genomic context (GRCh38, chrX:68,193,950, plus strand): 5'-CTTTGGTCTCAATAATATTGATGCACTTCCTGACAAACTTGAAGCCCACTTCATTTAGCT[C>A]CACTGTTTCAAGCAAAGGAAAAGAGTTAGATCCTGCTGCAACAGGTGTCACCTATTAAAC-3'